The following is an entry in ClinVar:

NM_003001.5(SDHC):c.230C>G (p.Ala77Gly)

Gene: SDHC (succinate dehydrogenase complex subunit C; plus strand). Cytogenetic location: 1q23.3.
Variant type: single nucleotide variant.
Coding change: c.230C>G on transcript NM_003001.5 (MANE Select); coding-DNA position 230, C replaced by G.
Protein change: p.Ala77Gly; replaces alanine 77 with glycine.
Molecular consequence: missense variant. On other transcripts: non-coding transcript variant (1).
Genome position (GRCh38, 1-based): chr1:161,340,644, C>G. VCF-style: chr1-161340644-C-G. GRCh37 (hg19) VCF-style: chr1-161310434-C-G.
Other names: c.230C>G, p.Ala77Gly (NM_001035511.3); c.128C>G, p.Ala43Gly (NM_001035512.3, NM_001278172.3, NM_001407118.1); c.71C>G, p.Ala24Gly (NM_001035513.3); c.350C>G, p.Ala117Gly (NM_001407115.1); c.173C>G, p.Ala58Gly (NM_001407116.1, NM_001407117.1, NM_001407121.1); c.119C>G, p.Ala40Gly (NM_001407119.1, NM_001407120.1); short protein forms A77G, A43G, A117G, A40G, A24G, A58G.
Identifiers: ClinVar variation 5029298 (VCV005029298.1).

ClinVar aggregate classification (germline): Uncertain significance (1 of 4 stars; one submission).

Conditions:
Hereditary cancer-predisposing syndrome. Also called: Neoplastic Syndromes, Hereditary; Tumor predisposition; Hereditary neoplastic syndrome; Hereditary Cancer Syndrome. Identifiers: Orphanet 140162, MedGen C0027672, MeSH D009386, MONDO:0015356.

Submission:

Ambry Genetics
Classification: Uncertain significance for Hereditary cancer-predisposing syndrome. Last evaluated: 2026-07-02. Review status: criteria provided, single submitter. Criteria: Ambry Variant Classification Scheme 2023. Collection method: clinical testing. Allele origin: germline.
Comment: The p.A77G variant (also known as c.230C>G), located in coding exon 4 of the SDHC gene, results from a C to G substitution at nucleotide position 230. The alanine at codon 77 is replaced by glycine, an amino acid with similar properties. This amino acid position is conserved. In addition, the in silico prediction for this alteration is inconclusive. Based on the available evidence, the clinical significance of this variant remains unclear.